The following is an entry in ClinVar:

ClinVar aggregate classification (germline): Uncertain significance (1 of 4 stars; one submission).

Conditions:
PCNT-related disorder. Also called: PCNT-related condition.

gnomAD v4.1: 2 of 1,610,634 alleles (0.00012%); highest among the groups gnomAD compares: Non-Finnish European, 0.00017%; no homozygotes.

Submission:

PreventionGenetics, part of Exact Sciences
Classification: Uncertain significance for PCNT-related condition. Last evaluated: 2024-12-27. Review status: criteria provided, single submitter. Criteria: ACMG Guidelines, 2015. Collection method: clinical testing. Allele origin: germline.
Comment: The PCNT c.7628G>T variant is predicted to result in the amino acid substitution p.Arg2543Leu. To our knowledge, this variant has not been reported in the literature. This variant is reported in 0.0065% of alleles in individuals of European (Non-Finnish) descent in gnomAD. At this time, the clinical significance of this variant is uncertain due to the absence of conclusive functional and genetic evidence.

NM_006031.6(PCNT):c.7628G>T (p.Arg2543Leu)

Gene: PCNT (pericentrin; plus strand). Cytogenetic location: 21q22.3.
Variant type: single nucleotide variant.
Coding change: c.7628G>T on transcript NM_006031.6 (MANE Select); coding-DNA position 7628, G replaced by T.
Protein change: p.Arg2543Leu; replaces arginine 2543 with leucine.
Molecular consequence: missense variant.
Genome position (GRCh38, 1-based): chr21:46,428,528, G>T. VCF-style: chr21-46428528-G-T. GRCh37 (hg19) VCF-style: chr21-47848442-G-T.
Other names: c.7274G>T, p.Arg2425Leu (NM_001315529.2); short protein forms R2425L, R2543L.
Identifiers: ClinVar variation 4987466 (VCV004987466.1).